The following is an entry in ClinVar:

ClinVar aggregate classification (germline): Pathogenic (1 of 4 stars; one submission).

Submission:

Mayo Clinic Laboratories, Mayo Clinic
Classification: Pathogenic. Last evaluated: 2022-05-27. Review status: criteria provided, single submitter. Criteria: ACMG Guidelines, 2015. Collection method: clinical testing. Allele origin: germline. Observed: 1 variant allele.
Comment: PM2, PM5, PVS1

NM_004722.4(AP4M1):c.189_194delinsTCTC (p.Tyr65fs)

Gene: AP4M1 (adaptor related protein complex 4 subunit mu 1; plus strand). Cytogenetic location: 7q22.1.
Variant type: Indel.
Coding change: c.189_194delinsTCTC on transcript NM_004722.4 (MANE Select); coding-DNA positions 189 to 194, CCTCTA replaced by TCTC.
Protein change: p.Tyr65fs; shifts the reading frame from tyrosine 65.
Molecular consequence: frameshift variant.
Genome position (GRCh38, 1-based): chr7:100,102,716-100,102,721, CCTCTA replaced by TCTC. VCF-style: chr7-100102716-CCTCTA-TCTC. GRCh37 (hg19) VCF-style: chr7-99700339-CCTCTA-TCTC.
Other names: p.Tyr65Phefs*50; c.210_215delinsTCTC, p.Tyr72fs (NM_001363671.2); c.189_194delinsTCTC (NM_004722.3); short protein forms Y65fs, Y72fs.
Identifiers: ClinVar variation 1285367 (VCV001285367.1), dbSNP rs2546950411, ClinGen allele CA2697557454.